The following is an entry in ClinVar:

NM_000051.4(ATM):c.8786+1G>A

Genes: ATM (ATM serine/threonine kinase; plus strand), C11orf65 (chromosome 11 open reading frame 65; minus strand). Cytogenetic location: 11q22.3.
Variant type: single nucleotide variant.
Coding change: c.8786+1G>A on transcript NM_000051.4 (MANE Select); the canonical splice donor site of the intron after coding-DNA position 8786, G replaced by A.
Molecular consequence: splice donor variant. On other transcripts: intron variant (2).
Genome position (GRCh38, 1-based): chr11:108,353,881, G>A. VCF-style: chr11-108353881-G-A. GRCh37 (hg19) VCF-style: chr11-108224608-G-A.
Other names: IVS60+1G>A; c.8786+1G>A (NM_001351834.2); c.640+32039C>T (NM_001330368.2); c.695-18589C>T (NM_001351110.2).
Identifiers: ClinVar variation 127463 (VCV000127463.61), dbSNP rs17174393, ClinGen allele CA274150.

ClinVar aggregate classification (germline): Pathogenic. Review status: reviewed by expert panel (3 of 4 stars). 21 submissions from 21 submitters: Pathogenic (1). 20 of the submissions do not count toward it. Last evaluated 2024-01-24.

Conditions:
Malignant glioma. Identifiers: MedGen C0555198, MONDO:0100342, MONDO:0015917.
Inherited breast cancer and ovarian cancer.
ATM-related cancer predisposition. Also called: ATM-related cancer susceptibility. Identifiers: MedGen CN377759, MONDO:0700270.
ATM-related disorder. Also called: ATM-related disorders; ATM-related condition.
Hereditary cancer-predisposing syndrome. Also called: Neoplastic Syndromes, Hereditary; Hereditary Cancer Syndrome; Tumor predisposition; Hereditary neoplastic syndrome. Identifiers: Orphanet 140162, MedGen C0027672, MeSH D009386, MONDO:0015356.
Familial cancer of breast. Also called: BREAST CANCER, FAMILIAL; hereditary breast carcinoma; Hereditary breast cancer. Identifiers: Orphanet 227535, MedGen C0346153, MONDO:0016419, OMIM 114480. Disease mechanism: loss of function.
Ataxia-telangiectasia syndrome (AT). Also called: Ataxia-telangiectasia, complementation group D; AT, COMPLEMENTATION GROUP C; Ataxia-telangiectasia; ATAXIA-TELANGIECTASIA, COMPLEMENTATION GROUP A; ATAXIA-TELANGIECTASIA, FRESNO VARIANT; Ataxia-telangiectasia, complementation group E. Identifiers: Orphanet 100, MedGen C0004135, MONDO:0008840, OMIM 208900.

Allele frequency attached by ClinVar (database versions not stated): ExAC 0.00002; TOPMed 0.00001; gnomAD exomes 0.00002.
gnomAD v4.1: 48 of 1,608,514 alleles (0.003%); highest among the groups gnomAD compares: Non-Finnish European, 0.0039%; no homozygotes.

Submissions 1 to 10 of 21:

ClinGen Hereditary Breast, Ovarian and Pancreatic Cancer Variant Curation Expert Panel, ClinGen
Classification: Pathogenic for ATM-related cancer predisposition. Last evaluated: 2024-01-24. Review status: reviewed by expert panel. Criteria: ClinGen HBOP ACMG Specifications ATM V1.2.0. Collection method: curation. Allele origin: germline. Inheritance: Autosomal dominant inheritance.
Comment: The ATM c.8786+1G>A variant occurs within the canonical splice donor site (+/- 1,2) of intron 60. It is predicted to cause skipping of a biologically-relevant-exon, resulting in a premature stop codon and nonsense mediated decay. The highest minor allele frequency in gnomAD v2.1.1 is 0.00003517 (4/113738) in the European (non-Finnish) population (PM2_Supporting, BS1, and BA1 are not met). This variant has been detected in at least 6 individuals with Ataxia-Telangiectasia (PMID: 26896183, 10817650, 9463314). In summary, this variant meets criteria to be classified as pathogenic for autosomal dominant hereditary breast cancer and autosomal recessive Ataxia-Telangiectasia based on the ACMG/AMP criteria applied, as specified by the HBOP VCEP. (PVS1, PM3_very strong)

PreventionGenetics, part of Exact Sciences
Classification: Pathogenic for ATM-related condition. Last evaluated: 2026-03-20. Review status: criteria provided, single submitter. Criteria: ACMG Guidelines, 2015. Collection method: clinical testing. Allele origin: germline. Not counted in ClinVar's aggregate classification.
Comment: The ATM c.8786+1G>A variant is predicted to disrupt the GT donor site and interfere with normal splicing. This variant, also described as 8672 del 115 or IVS62+1G>A using alternate nomenclature, has previously been reported in individuals with Ataxia Telangiectasia (see for example Wright et al. 1996. PubMed ID: 8808599; Teraoka et al. 1999. PubMed ID: 10330348; Supplementary Table 1, Patient 11, in Schon et al. 2019. PubMed ID: 30549301) as well as in individuals with a personal or family history of breast, colorectal, pancreatic, or prostate cancers (Table S1, Susswein et al. 2015. PubMed ID: 26681312; Table S10, Al Dubayan et al. 2018. PubMed ID: 29478780; Table S2A, Huang et al. 2018. PubMed ID: 29625052; Table S3, described as 108224608:G:A:hg19:ATM , Darst et al. 2021. PubMed ID: 32853339; Table S4, Karlsson et al 2021. PubMed ID: 33436325). This variant is reported in 0.0035% of alleles in individuals of European (Non-Finnish) descent in gnomAD and is interpreted as pathogenic/likely pathogenic in ClinVar (Variation ID: 127463). Variants that disrupt the consensus splice donor site in ATM are expected to be pathogenic. This variant is interpreted as pathogenic.

Genetics Laboratory, Great Ormond Street Hospital NHS Foundation Trust, North Thames Genomic Laboratory Hub
Classification: Pathogenic for Inherited breast cancer and ovarian cancer. Last evaluated: 2026-03-18. Review status: criteria provided, single submitter. Criteria: CanVIG ATM Gene Specific V1.2. Collection method: clinical testing. Allele origin: germline. Affected: yes. Not counted in ClinVar's aggregate classification.
Comment: PVS1_very-strong, PM3_moderate

Labcorp Genetics (formerly Invitae), Labcorp
Classification: Pathogenic for Ataxia-telangiectasia syndrome. Last evaluated: 2026-01-24. Review status: criteria provided, single submitter. Criteria: Invitae Variant Classification Sherloc (09022015). Collection method: clinical testing. Allele origin: germline. Not counted in ClinVar's aggregate classification.
Comment: This sequence change affects a donor splice site in intron 60 of the ATM gene. RNA analysis indicates that disruption of this splice site induces altered splicing and may result in an absent or altered protein product. This variant is present in population databases (rs17174393, gnomAD 0.002%). Disruption of this splice site has been observed in individuals with a family history of breast cancer and ataxia-telangiectasia (PMID: 8659541, 8808599, 9463314, 10330348, 10817650, 10980530, 11298136, 21445571, 21459046, 21792198). This variant is also known as IVS62+1G>A and c.8672del115. ClinVar contains an entry for this variant (Variation ID: 127463). Studies have shown that disruption of this splice site results in skipping of exon 60, and produces a non-functional protein and/or introduces a premature termination codon (internal data). For these reasons, this variant has been classified as Pathogenic.

Center for Genomic Medicine, Rigshospitalet, Copenhagen University Hospital
Classification: Pathogenic. Last evaluated: 2025-12-29. Review status: criteria provided, single submitter. Criteria: ACMG Guidelines, 2015. Collection method: clinical testing. Allele origin: germline. Not counted in ClinVar's aggregate classification.
Comment: Classification criteria: PVS1, PM3_Very_Strong

Natera, Inc.
Classification: Pathogenic for Ataxia-telangiectasia. Last evaluated: 2025-12-26. Review status: criteria provided, single submitter. Criteria: Natera Variant Classification Schema (03/2026). Collection method: clinical testing. Allele origin: germline. Not counted in ClinVar's aggregate classification.
Comment: The c.8786+1G>A variant in ATM is a canonical splice donor site variant predicted to affect pre-mRNA splicing, which may result in an abnormal transcript and altered protein product. This variant is expected to result in nonsense mediated decay, truncation, or a dysfunctional protein product. This variant is rare in the general population with a frequency below the threshold expected for the associated phenotype(s). This variant has been observed in one or more individuals affected with the associated recessive disease, as either homozygous or compound heterozygous with a second variant (PMID: 30549301). Given the available evidence, this variant is classified as Pathogenic.

Department of Clinical Genetics, Copenhagen University Hospital, Rigshospitalet
Classification: Pathogenic for Familial cancer of breast; Ataxia-telangiectasia syndrome. Last evaluated: 2025-02-04. Review status: criteria provided, single submitter. Criteria: ACMG Guidelines, 2015. Collection method: clinical testing. Allele origin: germline. Not counted in ClinVar's aggregate classification.
Comment: PVS1; PM3_VS

Blueprint Genetics
Classification: Pathogenic for ATM-related disorders. Last evaluated: 2024-10-02. Review status: criteria provided, single submitter. Criteria: ACMG Guidelines, 2015. Collection method: clinical testing. Allele origin: germline. Affected: yes. Observed: 5 variant alleles. Not counted in ClinVar's aggregate classification.

Color Diagnostics, LLC DBA Color Health
Classification: Pathogenic for Hereditary cancer-predisposing syndrome. Last evaluated: 2024-06-17. Review status: criteria provided, single submitter. Criteria: ACMG Guidelines, 2015. Collection method: clinical testing. Allele origin: germline. Not counted in ClinVar's aggregate classification.
Comment: This variant causes a G to A nucleotide substitution at the +1 position of intron 60 of the ATM gene. RNA studies have shown that this variant causes the skipping of exon 60 (also known as exon 62 in the literature) or the inclusion of the first 14 nucleotides of intron 60 in the RNA transcripts (PMID: 9463314, 10330348, 10980530, 11298136). Both aberrant transcripts are expected to create a frameshift and premature truncation and result in an absent or non-functional protein product. This variant (also known as IVS62+1G>A in the literature) has been reported in many individuals affected with ataxia telangiectasia (PMID: 9463314, 10330348, 10817650, 10980530, 11298136, 12552559, 21792198). In a large international case-control study, this variant was reported in 5/60466 breast cancer cases and 2/53461 controls (OR=2.21, 95%CI 0.429 to 11.394, p-value=0.459; PMID: 33471991). This variant has also been identified in 4/251450 chromosomes in the general population by the Genome Aggregation Database (gnomAD). Loss of ATM function is a known mechanism of disease. Based on the available evidence, this variant is classified as Pathogenic.

Myriad Genetics, Inc.
Classification: Pathogenic for Familial cancer of breast. Last evaluated: 2024-05-30. Review status: criteria provided, single submitter. Criteria: Myriad Autosomal Dominant, Autosomal Recessive and X-Linked Classification Criteria (2023). Collection method: clinical testing. Allele origin: unknown. Not counted in ClinVar's aggregate classification.
Comment: This variant is considered pathogenic. This variant occurs within a consensus splice junction and is predicted to result in abnormal mRNA splicing of either an out-of-frame exon or an in-frame exon necessary for protein stability and/or normal function. This variant has been reported in multiple individuals with clinical features of gene-specific disease [PMID: 11298136, 9463314, 21792198, 10980530, 37438524, 26896183]. Functional studies indicate this variant impacts protein function [PMID: 11298136, 21792198, 26896183].